The following is an entry in ClinVar:

NM_201631.4(TGM5):c.1510G>A (p.Val504Met)

Gene: TGM5 (transglutaminase 5; minus strand). Cytogenetic location: 15q15.2.
Variant type: single nucleotide variant.
Coding change: c.1510G>A on transcript NM_201631.4 (MANE Select); coding-DNA position 1510, G replaced by A.
Protein change: p.Val504Met; replaces valine 504 with methionine.
Molecular consequence: missense variant.
Genome position (GRCh38, 1-based): chr15:43,235,673, C>T on the plus strand (G>A on the coding strand, the complement: TGM5 is on the minus strand). VCF-style: chr15-43235673-C-T. GRCh37 (hg19) VCF-style: chr15-43527871-C-T.
Other names: c.1264G>A, p.Val422Met (NM_004245.4); short protein forms V504M, V422M.
Identifiers: ClinVar variation 316042 (VCV000316042.7), dbSNP rs7171797, ClinGen allele CA7520954.
Genomic context (GRCh38, chr15:43,235,673, plus strand): 5'-ATATATCCTGGCCCATGTTGGGCGGGTCGAGCAGCTTGAATTTCAGGGAGACTTGCACCA[C>T]ATCACTGGGTCGAAGGGAAGGTGTATGCAGGCTCCGAGGGCTGTCCTGGCTCAGTGATGT-3'
Protein context (NP_963925.2, residues 494-514): LHTPSLRPSD[Val504Met]VQVSLKFKLL

ClinVar aggregate classification (germline): Benign. Review status: criteria provided, multiple submitters, no conflicts (2 of 4 stars). 3 submissions from 3 submitters: Benign (3). Last evaluated 2021-05-06.

Conditions:
Acral peeling skin syndrome. Also called: Peeling skin syndrome 2. Identifiers: Orphanet 263534, MedGen C1853354, MONDO:0012345, OMIM 609796.

Allele frequency attached by ClinVar (database versions not stated): gnomAD exomes 0.00430 and 0.01203; ExAC 0.01412; gnomAD 0.03644 and 0.03875; ESP Exome Variant Server 0.03937; TOPMed 0.04145; 1000 Genomes Project 0.04213; 1000 Genomes Project 30x 0.04466.
gnomAD v4.1: 12,331 of 1,614,126 alleles (0.76%); highest among the groups gnomAD compares: African/African-American, 12%; 635 homozygotes.

Submissions (3):

GeneDx
Classification: Benign. Last evaluated: 2021-05-06. Review status: criteria provided, single submitter. Criteria: GeneDx Variant Classification Process June 2021. Collection method: clinical testing. Allele origin: germline. Affected: yes.

Illumina Laboratory Services, Illumina
Classification: Benign for Acral peeling skin syndrome. Last evaluated: 2018-01-12. Review status: criteria provided, single submitter. Criteria: ICSL Variant Classification Criteria 13 December 2019. Collection method: clinical testing. Allele origin: germline.
Comment: This variant was observed in the ICSL laboratory as part of a predisposition screen in an ostensibly healthy population. It had not been previously curated by ICSL or reported in the Human Gene Mutation Database (HGMD: prior to June 1st, 2018), and was therefore a candidate for classification through an automated scoring system. Utilizing variant allele frequency, disease prevalence and penetrance estimates, and inheritance mode, an automated score was calculated to assess if this variant is too frequent to cause the disease. Based on the score and internal cut-off values, a variant classified as benign is not then subjected to further curation. The score for this variant resulted in a classification of benign for this disease.

Breakthrough Genomics
Classification: Benign. Review status: criteria provided, single submitter. Criteria: ACMG Guidelines, 2015. Collection method: not provided. Allele origin: germline. Inheritance: Autosomal recessive inheritance. Affected: yes.